The following is an entry in ClinVar:

NC_000003.11:g.(?_154801957)_(155551394_?)dup

Genes: C3orf33 (chromosome 3 open reading frame 33; minus strand), MME (membrane metalloendopeptidase; plus strand), PLCH1 (phospholipase C eta 1; minus strand), SLC33A1 (solute carrier family 33 member 1; minus strand). Cytogenetic location: 3q25.2-25.31.
Variant type: Duplication.
Identifiers: ClinVar variation 1400969 (VCV001400969.1).

ClinVar aggregate classification (germline): Uncertain significance (1 of 4 stars; one submission).

Submission:

Labcorp Genetics (formerly Invitae), Labcorp
Classification: Uncertain significance. Last evaluated: 2021-04-27. Review status: criteria provided, single submitter. Criteria: Invitae Variant Classification Sherloc (09022015). Collection method: clinical testing. Allele origin: germline.
Comment: A copy number gain of the genomic region encompassing the full coding sequence of the MME gene has been identified. The boundaries of this event are unknown as they extend beyond the assayed region for this gene and therefore may encompass additional genes. As the precise location of this event is unknown, it may be in tandem or it may be located elsewhere in the genome. This variant has not been reported in the literature in individuals with MME-related conditions. In summary, the available evidence is currently insufficient to determine the role of this variant in disease. Therefore, it has been classified as a Variant of Uncertain Significance.